The following is an entry in ClinVar:

ClinVar aggregate classification (germline): Uncertain significance (1 of 4 stars; one submission).

Submission:

Labcorp Genetics (formerly Invitae), Labcorp
Classification: Uncertain significance. Last evaluated: 2022-06-18. Review status: criteria provided, single submitter. Criteria: Invitae Variant Classification Sherloc (09022015). Collection method: clinical testing. Allele origin: germline.
Comment: In summary, the available evidence is currently insufficient to determine the role of this variant in disease. Therefore, it has been classified as a Variant of Uncertain Significance. Advanced modeling of protein sequence and biophysical properties (such as structural, functional, and spatial information, amino acid conservation, physicochemical variation, residue mobility, and thermodynamic stability) performed at Invitae indicates that this missense variant is not expected to disrupt COL2A1 protein function. This variant has not been reported in the literature in individuals affected with COL2A1-related conditions. This variant is not present in population databases (gnomAD no frequency). This sequence change replaces arginine, which is basic and polar, with leucine, which is neutral and non-polar, at codon 904 of the COL2A1 protein (p.Arg904Leu).

NM_001844.5(COL2A1):c.2711G>T (p.Arg904Leu)

Gene: COL2A1 (collagen type II alpha 1 chain; minus strand). Cytogenetic location: 12q13.11.
Variant type: single nucleotide variant.
Coding change: c.2711G>T on transcript NM_001844.5 (MANE Select); coding-DNA position 2711, G replaced by T.
Protein change: p.Arg904Leu; replaces arginine 904 with leucine.
Molecular consequence: missense variant.
Genome position (GRCh38, 1-based): chr12:47,979,533, C>A on the plus strand (G>T on the coding strand, the complement: COL2A1 is on the minus strand). VCF-style: chr12-47979533-C-A. GRCh37 (hg19) VCF-style: chr12-48373316-C-A.
Other names: c.2504G>T, p.Arg835Leu (NM_033150.3); short protein forms R835L, R904L.
Identifiers: ClinVar variation 2008057 (VCV002008057.4), dbSNP rs201544025, ClinGen allele CA384543863.